The following is an entry in ClinVar:

ClinVar aggregate classification (germline): Uncertain significance (1 of 4 stars; one submission).

Conditions:
Familial thoracic aortic aneurysm and aortic dissection (TAAD). Also called: Thoracic aortic aneurysms and dissections. Identifiers: Orphanet 91387, MedGen C4707243, MONDO:0019625.

gnomAD v4.1: 1 of 1,613,188 alleles (0.000062%); highest among the groups gnomAD compares: Non-Finnish European, 0.000085%; no homozygotes.

Submission:

Ambry Genetics
Classification: Uncertain significance for Familial thoracic aortic aneurysm and aortic dissection. Last evaluated: 2024-03-27. Review status: criteria provided, single submitter. Criteria: Ambry Variant Classification Scheme 2023. Collection method: clinical testing. Allele origin: germline.
Comment: The p.T369I variant (also known as c.1106C>T), located in coding exon 7 of the TGFB2 gene, results from a C to T substitution at nucleotide position 1106. The threonine at codon 369 is replaced by isoleucine, an amino acid with similar properties. This amino acid position is conserved. In addition, this alteration is predicted to be tolerated by in silico analysis. Based on the available evidence, the clinical significance of this alteration remains unclear.

NM_003238.6(TGFB2):c.1106C>T (p.Thr369Ile)

Gene: TGFB2 (transforming growth factor beta 2; plus strand). Cytogenetic location: 1q41.
Variant type: single nucleotide variant.
Coding change: c.1106C>T on transcript NM_003238.6 (MANE Select); coding-DNA position 1106, C replaced by T.
Protein change: p.Thr369Ile; replaces threonine 369 with isoleucine.
Molecular consequence: missense variant. On other transcripts: non-coding transcript variant (2).
Genome position (GRCh38, 1-based): chr1:218,441,223, C>T. VCF-style: chr1-218441223-C-T. GRCh37 (hg19) VCF-style: chr1-218614565-C-T.
Other names: c.1190C>T, p.Thr397Ile (NM_001135599.4); short protein forms T369I, T397I.
Identifiers: ClinVar variation 3325690 (VCV003325690.1).